The following is an entry in ClinVar:

NM_001358530.2(MOCS1):c.123+3G>A

Gene: MOCS1 (molybdenum cofactor synthesis 1; minus strand). Cytogenetic location: 6p21.2.
Variant type: single nucleotide variant.
Coding change: c.123+3G>A on transcript NM_001358530.2 (MANE Select); 3 bases into the intron after coding-DNA position 123, G replaced by A.
Molecular consequence: intron variant.
Genome position (GRCh38, 1-based): chr6:39,934,292, C>T on the plus strand (G>A on the coding strand, the complement: MOCS1 is on the minus strand). VCF-style: chr6-39934292-C-T. GRCh37 (hg19) VCF-style: chr6-39902031-C-T.
Other names: c.-12+3G>A (NM_001358531.2, NM_001358533.2); c.123+3G>A (NM_001358529.2, NM_001075098.4).
Identifiers: ClinVar variation 2162131 (VCV002162131.1), dbSNP rs893198928, ClinGen allele CA137623287.

ClinVar aggregate classification (germline): Uncertain significance (1 of 4 stars; one submission).

Conditions:
Sulfite oxidase deficiency due to molybdenum cofactor deficiency type A. Also called: Molybdenum Cofactor Deficiency A; Molybdenum cofactor deficiency, complementation group A. Identifiers: Orphanet 308386, Orphanet 833, MedGen C1854988, MONDO:0009643, OMIM 252150.

Allele frequency attached by ClinVar (database versions not stated): gnomAD 0.00001; gnomAD exomes 0.00001; TOPMed 0.00001.
gnomAD v4.1: 8 of 1,540,322 alleles (0.00052%); highest among the groups gnomAD compares: Non-Finnish European, 0.00061%; no homozygotes.

Submission:

Labcorp Genetics (formerly Invitae), Labcorp
Classification: Uncertain significance for Sulfite oxidase deficiency due to molybdenum cofactor deficiency type A. Last evaluated: 2022-02-01. Review status: criteria provided, single submitter. Criteria: Invitae Variant Classification Sherloc (09022015). Collection method: clinical testing. Allele origin: germline.
Comment: This sequence change falls in intron 1 of the MOCS1 gene. It does not directly change the encoded amino acid sequence of the MOCS1 protein. It affects a nucleotide within the consensus splice site. This variant is not present in population databases (gnomAD no frequency). This variant has not been reported in the literature in individuals affected with MOCS1-related conditions. Variants that disrupt the consensus splice site are a relatively common cause of aberrant splicing (PMID: 17576681, 9536098). Experimental studies and prediction algorithms are not available or were not evaluated, and the effect of this variant on mRNA splicing is currently unknown. In summary, the available evidence is currently insufficient to determine the role of this variant in disease. Therefore, it has been classified as a Variant of Uncertain Significance.

Literature cited by the submitters: PubMed 17576681; PubMed 9536098.